The following is an entry in ClinVar:

NM_001018005.2(TPM1):c.453C>A (p.Ala151=)

Gene: TPM1 (tropomyosin 1; plus strand). Cytogenetic location: 15q22.2.
Variant type: single nucleotide variant.
Coding change: c.453C>A on transcript NM_001018005.2 (MANE Select); coding-DNA position 453, C replaced by A.
Protein change: p.Ala151=; no amino-acid change (alanine 151 retained).
Molecular consequence: synonymous variant.
Genome position (GRCh38, 1-based): chr15:63,059,641, C>A. VCF-style: chr15-63059641-C-A. GRCh37 (hg19) VCF-style: chr15-63351840-C-A.
Other names: p.A151A:GCC>GCA; p.Ala151=; c.453C>A, p.Ala151= (NM_000366.6, NM_001018004.2, NM_001018006.2 and 6 more transcripts); c.345C>A, p.Ala115= (NM_001018008.2, NM_001301289.2, NM_001330344.2 and 5 more transcripts); c.579C>A, p.Ala193= (NM_001365778.1).
Identifiers: ClinVar variation 31888 (VCV000031888.50), dbSNP rs1071646, ClinGen allele CA018039.

ClinVar aggregate classification (germline): Benign. Review status: criteria provided, multiple submitters, no conflicts (2 of 4 stars). 24 submissions from 22 submitters: Benign (18). 6 of the submissions do not count toward it. Last evaluated 2026-02-04.

Conditions:
TPM1-related disorder. Also called: TPM1-related condition.
Cardiovascular phenotype. Identifiers: MedGen CN230736.
Cardiomyopathy (CMYO). Also called: Cardiomyopathies. Identifiers: Orphanet 167848, MedGen C0878544, MONDO:0004994, HP:0001638. Inheritance: Various modes of inheritance.
Hypertrophic cardiomyopathy 1 (CMH1). Also called: MYH7-Related Familial Hypertrophic Cardiomyopathy; Familial hypertrophic cardiomyopathy 1. Identifiers: MedGen C3495498, MONDO:0008647, OMIM 192600.
Dilated cardiomyopathy 1Y (CMD1Y). Identifiers: Orphanet 154, Orphanet 54260, MedGen C2678476, MONDO:0012744, OMIM 611878.
Hypertrophic cardiomyopathy 3. Also called: TPM1-Related Familial Hypertrophic Cardiomyopathy. Identifiers: MedGen C1861863, MONDO:0007267, OMIM 115196.
Hypertrophic cardiomyopathy. Also called: HYPERTROPHIC MYOCARDIOPATHY. Identifiers: Orphanet 217569, MedGen C0007194, MeSH D002312, MONDO:0005045, HP:0001639.

Allele frequency attached by ClinVar (database versions not stated): ESP Exome Variant Server 0.63571; TOPMed 0.64567; gnomAD 0.64628 and 0.65141; gnomAD exomes 0.66456 and 0.67040; ExAC 0.67368; 1000 Genomes Project 30x 0.69706; 1000 Genomes Project 0.70567.
gnomAD v4.1: 1,069,035 of 1,610,730 alleles (66%); highest among the groups gnomAD compares: East Asian, 95%; 357,799 homozygotes.

Submissions (24):

Labcorp Genetics (formerly Invitae), Labcorp
Classification: Benign for Hypertrophic cardiomyopathy. Last evaluated: 2026-02-04. Review status: criteria provided, single submitter. Criteria: Invitae Variant Classification Sherloc (09022015). Collection method: clinical testing. Allele origin: germline.

Molecular Diagnostic Laboratory for Inherited Cardiovascular Disease, Montreal Heart Institute
Classification: Benign. Last evaluated: 2025-04-09. Review status: criteria provided, single submitter. Criteria: ACMG Guidelines, 2015. Collection method: clinical testing. Allele origin: germline. Affected: no.

PreventionGenetics, part of Exact Sciences
Classification: Benign for TPM1-related condition. Last evaluated: 2025-02-04. Review status: criteria provided, single submitter. Criteria: ACMG Guidelines, 2015. Collection method: clinical testing. Allele origin: germline.
Comment: This variant is classified as benign based on ACMG/AMP sequence variant interpretation guidelines (Richards et al. 2015 PMID: 25741868, with internal and published modifications).

Blueprint Genetics
Classification: Benign. Last evaluated: 2024-11-27. Review status: criteria provided, single submitter. Criteria: ACMG Guidelines, 2015. Collection method: clinical testing. Allele origin: germline.

All of Us Research Program, National Institutes of Health
Classification: Benign for Hypertrophic cardiomyopathy. Last evaluated: 2024-10-02. Review status: criteria provided, single submitter. Criteria: ACMG Guidelines, 2015. Collection method: clinical testing. Allele origin: germline. Inheritance: Autosomal dominant inheritance. Observed: 125,395 variant alleles, 63,611 heterozygotes, 61,756 homozygotes, 28 hemizygotes.
Comment: This study involves interpretation of variants in research participants for the purpose of population health screening. Participant phenotype was not available at the time of variant classification. Additional details can be found in publication PMID: 35346344, PMCID: PMC8962531

Women's Health and Genetics/Laboratory Corporation of America, LabCorp
Classification: Benign. Last evaluated: 2023-04-10. Review status: criteria provided, single submitter. Criteria: LabCorp Variant Classification Summary - May 2015. Collection method: clinical testing. Allele origin: germline.
Comment: Variant summary: TPM1 c.453C>A alters a conserved nucleotide resulting in a synonymous change. The variant allele was found at a frequency of 0.67 in 251338 control chromosomes, suggesting that it is the major allele and therefore benign. The observed variant frequency is approximately 9000 fold of the estimated maximal expected allele frequency for a pathogenic variant in TPM1 causing Cardiomyopathy phenotype (7.5e-05), strongly suggesting that the variant is benign. Seven clinical diagnostic laboratories have submitted clinical-significance assessments for this variant to ClinVar after 2014 and all laboratories classified the variant as benign. Based on the evidence outlined above, the variant was classified as benign.

Cohesion Phenomics
Classification: Benign for Cardiomyopathy. Last evaluated: 2022-09-27. Review status: criteria provided, single submitter. Criteria: ACMG Guidelines, 2015. Collection method: clinical testing. Allele origin: germline. Affected: yes.

Genome-Nilou Lab
Classification: Benign for Dilated cardiomyopathy 1Y. Last evaluated: 2021-09-10. Review status: criteria provided, single submitter. Criteria: ACMG Guidelines, 2015. Collection method: clinical testing. Allele origin: germline. Affected: no.

Genome-Nilou Lab
Classification: Benign for Hypertrophic cardiomyopathy 3. Last evaluated: 2021-09-10. Review status: criteria provided, single submitter. Criteria: ACMG Guidelines, 2015. Collection method: clinical testing. Allele origin: germline. Affected: no.

Mendelics
Classification: Benign for Hypertrophic cardiomyopathy 1. Last evaluated: 2019-05-28. Review status: criteria provided, single submitter. Criteria: Mendelics Assertion Criteria 2017. Collection method: clinical testing. Allele origin: unknown.

Color Diagnostics, LLC DBA Color Health
Classification: Benign for Cardiomyopathy. Last evaluated: 2018-04-03. Review status: criteria provided, single submitter. Criteria: ACMG Guidelines, 2015. Collection method: clinical testing. Allele origin: germline.

Illumina Laboratory Services, Illumina
Classification: Benign for Hypertrophic cardiomyopathy 3. Last evaluated: 2018-01-12. Review status: criteria provided, single submitter. Criteria: ICSL Variant Classification Criteria 13 December 2019. Collection method: clinical testing. Allele origin: germline.
Comment: This variant was observed in the ICSL laboratory as part of a predisposition screen in an ostensibly healthy population. It had not been previously curated by ICSL or reported in the Human Gene Mutation Database (HGMD: prior to June 1st, 2018), and was therefore a candidate for classification through an automated scoring system. Utilizing variant allele frequency, disease prevalence and penetrance estimates, and inheritance mode, an automated score was calculated to assess if this variant is too frequent to cause the disease. Based on the score and internal cut-off values, a variant classified as benign is not then subjected to further curation. The score for this variant resulted in a classification of benign for this disease.

Illumina Laboratory Services, Illumina
Classification: Benign for Dilated cardiomyopathy 1Y. Last evaluated: 2018-01-12. Review status: criteria provided, single submitter. Criteria: ICSL Variant Classification Criteria 13 December 2019. Collection method: clinical testing. Allele origin: germline.
Comment: the same text as in the submission from Illumina Laboratory Services, Illumina above.

Ambry Genetics
Classification: Benign for Cardiovascular phenotype. Last evaluated: 2015-03-11. Review status: criteria provided, single submitter. Criteria: Ambry Variant Classification Scheme 2023. Collection method: clinical testing. Allele origin: germline.

Mayo Clinic Laboratories, Mayo Clinic
Classification: Benign. Last evaluated: 2014-05-08. Review status: criteria provided, single submitter. Criteria: ACMG Guidelines, 2015. Collection method: clinical testing. Allele origin: germline. Observed: 1,410 variant alleles.

GeneDx
Classification: Benign. Last evaluated: 2012-09-25. Review status: criteria provided, single submitter. Criteria: GeneDx Variant Classification (06012015). Collection method: clinical testing. Allele origin: germline. Affected: yes.
Comment: This variant is considered likely benign or benign based on one or more of the following criteria: it is a conservative change, it occurs at a poorly conserved position in the protein, it is predicted to be benign by multiple in silico algorithms, and/or has population frequency not consistent with disease.

Laboratory for Molecular Medicine, Mass General Brigham Personalized Medicine
Classification: Benign. Last evaluated: 2008-01-18. Review status: criteria provided, single submitter. Criteria: LMM Criteria. Collection method: clinical testing. Allele origin: germline. Observed: 4,177 variant alleles.

Breakthrough Genomics
Classification: Benign. Review status: criteria provided, single submitter. Criteria: ACMG Guidelines, 2015. Collection method: not provided. Allele origin: germline. Inheritance: Autosomal dominant inheritance. Affected: yes.

Leiden Muscular Dystrophy (TPM1)
No classification provided. Last evaluated: 2012-04-15. Review status: no classification provided. Collection method: curation. Allele origin: germline. Not counted in ClinVar's aggregate classification.

Clinical Genetics DNA and cytogenetics Diagnostics Lab, Erasmus MC, Erasmus Medical Center
Classification: Benign. Review status: no assertion criteria provided. Collection method: clinical testing. Allele origin: germline. Affected: yes. Study: VKGL Data-share Consensus. Not counted in ClinVar's aggregate classification.

Clinical Genetics, Academic Medical Center
Classification: Benign. Review status: no assertion criteria provided. Collection method: clinical testing. Allele origin: germline. Affected: yes. Study: VKGL Data-share Consensus. Not counted in ClinVar's aggregate classification.

Diagnostic Laboratory, Department of Genetics, University Medical Center Groningen
Classification: Benign. Review status: no assertion criteria provided. Collection method: clinical testing. Allele origin: germline. Affected: yes. Study: VKGL Data-share Consensus. Not counted in ClinVar's aggregate classification.

Genome Diagnostics Laboratory, University Medical Center Utrecht
Classification: Benign. Review status: no assertion criteria provided. Collection method: clinical testing. Allele origin: germline. Affected: yes. Study: VKGL Data-share Consensus. Not counted in ClinVar's aggregate classification.

Joint Genome Diagnostic Labs from Nijmegen and Maastricht, Radboudumc and MUMC+
Classification: Benign. Review status: no assertion criteria provided. Collection method: clinical testing. Allele origin: germline. Affected: yes. Study: VKGL Data-share Consensus. Not counted in ClinVar's aggregate classification.